The following is an entry in ClinVar:

NM_002693.3(POLG):c.145_146del (p.Gln49fs)

Genes: POLGARF (POLG alternative reading frame; minus strand), POLG (DNA polymerase gamma, catalytic subunit; minus strand). Cytogenetic location: 15q26.1.
Variant type: Deletion.
Coding change: c.145_146del on transcript NM_002693.3 (MANE Select); coding-DNA positions 145 to 146, 2 bases deleted (CA; older notation c.145_146delCA).
Protein change: p.Gln49fs; shifts the reading frame from glutamine 49.
Molecular consequence: frameshift variant.
Genome position (GRCh38, 1-based): chr15:89,333,609-89,333,610, TG deleted on the plus strand (CA on the coding strand, the reverse complement: POLG is on the minus strand). VCF-style (leftmost placement, unchanged base first): chr15-89333608-CTG-C. GRCh37 (hg19) VCF-style: chr15-89876839-CTG-C.
Other names: c.200_201del, p.Ala67fs (NM_001430120.1); c.145_146del, p.Gln49fs (NM_001126131.2); short protein forms A67fs, Q49fs.
Identifiers: ClinVar variation 5013216 (VCV005013216.1).

ClinVar aggregate classification (germline): Pathogenic (1 of 4 stars; one submission).

Conditions:
POLG-related disorder. Also called: POLG-Related Spectrum Disorders; POLG-related condition; POLG-Related Disorders. Identifiers: MedGen C4763519.

Submission:

Myriad Genetics, Inc.
Classification: Pathogenic for POLG-related disorder. Last evaluated: 2024-06-20. Review status: criteria provided, single submitter. Criteria: Myriad Autosomal Dominant, Autosomal Recessive and X-Linked Classification Criteria (2023). Collection method: clinical testing. Allele origin: unknown.
Comment: NM_002693.2(POLG):c.145_146delCA(Q49Afs*194) is expected to be pathogenic in the context of POLG-related disorders. This variant is predicted to lead to an abnormal or absent protein product due to the creation of a premature termination codon in POLG, a gene where loss-of-function variants are known to be pathogenic. Please note: this variant was assessed in the context of healthy population screening.